The following is an entry in ClinVar:

NM_016169.4(SUFU):c.841C>T (p.Pro281Ser)

Gene: SUFU (SUFU negative regulator of hedgehog signaling; plus strand). Cytogenetic location: 10q24.32.
Variant type: single nucleotide variant.
Coding change: c.841C>T on transcript NM_016169.4 (MANE Select); coding-DNA position 841, C replaced by T.
Protein change: p.Pro281Ser; replaces proline 281 with serine.
Molecular consequence: missense variant.
Genome position (GRCh38, 1-based): chr10:102,597,224, C>T. VCF-style: chr10-102597224-C-T. GRCh37 (hg19) VCF-style: chr10-104356981-C-T.
Other names: c.841C>T, p.Pro281Ser (NM_001178133.2); c.841C>T (NM_016169.3); short protein forms P281S.
Identifiers: ClinVar variation 1010867 (VCV001010867.10), dbSNP rs2063471841, ClinGen allele CA377910584.
Genomic context (GRCh38, chr10:102,597,224, plus strand): 5'-ACAGATGGCTCCAACCTGAGTGGTGTCAGTGCCAAGTGTGCCTGGGATGACCTGAGCCGG[C>T]CCCCCGAGGATGACGAGGACAGCCGGAGCATCTGCATCGGCACACAGCCCCGGCGACTCT-3'
Protein context (NP_057253.2, residues 271-291): AKCAWDDLSR[Pro281Ser]PEDDEDSRSI

ClinVar aggregate classification (germline): Uncertain significance. Review status: criteria provided, multiple submitters, no conflicts (2 of 4 stars). 2 submissions from 2 submitters: Uncertain significance (2). Last evaluated 2025-05-03.

Conditions:
Medulloblastoma (MDB). Also called: MEDULLOBLASTOMA PREDISPOSITION SYNDROME; Medulloblastoma, somatic. Identifiers: Orphanet 616, MedGen C0025149, MeSH D008527, MONDO:0007959, OMIM 155255, HP:0002885.
Gorlin syndrome. Also called: Nevoid Basal Cell Carcinoma Syndrome; Basal cell nevus syndrome. Identifiers: Orphanet 377, MedGen C0004779, MONDO:0007187.
Hereditary cancer-predisposing syndrome. Also called: Tumor predisposition; Hereditary Cancer Syndrome; Neoplastic Syndromes, Hereditary; Hereditary neoplastic syndrome. Identifiers: Orphanet 140162, MedGen C0027672, MeSH D009386, MONDO:0015356.

Submissions (2):

Ambry Genetics
Classification: Uncertain significance for Hereditary cancer-predisposing syndrome. Last evaluated: 2025-05-03. Review status: criteria provided, single submitter. Criteria: Ambry Variant Classification Scheme 2023. Collection method: clinical testing. Allele origin: germline.
Comment: The p.P281S variant (also known as c.841C>T), located in coding exon 7 of the SUFU gene, results from a C to T substitution at nucleotide position 841. The proline at codon 281 is replaced by serine, an amino acid with similar properties. This amino acid position is highly conserved in available vertebrate species. In addition, this alteration is predicted to be tolerated by in silico analysis. Based on the available evidence, the clinical significance of this variant remains unclear.

Labcorp Genetics (formerly Invitae), Labcorp
Classification: Uncertain significance for Gorlin syndrome; Medulloblastoma. Last evaluated: 2024-08-19. Review status: criteria provided, single submitter. Criteria: Invitae Variant Classification Sherloc (09022015). Collection method: clinical testing. Allele origin: germline.
Comment: This sequence change replaces proline, which is neutral and non-polar, with serine, which is neutral and polar, at codon 281 of the SUFU protein (p.Pro281Ser). This variant is not present in population databases (gnomAD no frequency). This variant has not been reported in the literature in individuals affected with SUFU-related conditions. ClinVar contains an entry for this variant (Variation ID: 1010867). Invitae Evidence Modeling of protein sequence and biophysical properties (such as structural, functional, and spatial information, amino acid conservation, physicochemical variation, residue mobility, and thermodynamic stability) indicates that this missense variant is not expected to disrupt SUFU protein function with a negative predictive value of 80%. In summary, the available evidence is currently insufficient to determine the role of this variant in disease. Therefore, it has been classified as a Variant of Uncertain Significance.